The following is an entry in ClinVar:

NM_000287.4(PEX6):c.1564C>T (p.Arg522Trp)

Gene: PEX6 (peroxisomal biogenesis factor 6; minus strand). Cytogenetic location: 6p21.1.
Variant type: single nucleotide variant.
Coding change: c.1564C>T on transcript NM_000287.4 (MANE Select); coding-DNA position 1564, C replaced by T.
Protein change: p.Arg522Trp; replaces arginine 522 with tryptophan.
Molecular consequence: missense variant. On other transcripts: non-coding transcript variant (1).
Genome position (GRCh38, 1-based): chr6:42,968,414, G>A on the plus strand (C>T on the coding strand, the complement: PEX6 is on the minus strand). VCF-style: chr6-42968414-G-A. GRCh37 (hg19) VCF-style: chr6-42936152-G-A.
Other names: c.1300C>T, p.Arg434Trp (NM_001316313.2); short protein forms R434W, R522W.
Identifiers: ClinVar variation 2161077 (VCV002161077.3), dbSNP rs561419771, ClinGen allele CA3811292.

ClinVar aggregate classification (germline): Uncertain significance. Review status: criteria provided, multiple submitters, no conflicts (2 of 4 stars). 3 submissions from 3 submitters: Uncertain significance (3). Last evaluated 2024-07-18.

Conditions:
Peroxisome biogenesis disorder. Identifiers: Orphanet 79189, MedGen C1832200, MONDO:0019234. Disease mechanism: loss of function.

Allele frequency attached by ClinVar (database versions not stated): TOPMed below 0.00001; gnomAD exomes 0.00002; ExAC 0.00003; gnomAD 0.00003; 1000 Genomes Project 0.00020.
gnomAD v4.1: 34 of 1,613,598 alleles (0.0021%); highest among the groups gnomAD compares: Admixed American, 0.0033%; no homozygotes.

Submissions (3):

Blueprint Genetics
Classification: Uncertain significance. Last evaluated: 2024-07-18. Review status: criteria provided, single submitter. Criteria: ACMG Guidelines, 2015. Collection method: clinical testing. Allele origin: germline.

Labcorp Genetics (formerly Invitae), Labcorp
Classification: Uncertain significance for Peroxisome biogenesis disorder. Last evaluated: 2022-07-27. Review status: criteria provided, single submitter. Criteria: Invitae Variant Classification Sherloc (09022015). Collection method: clinical testing. Allele origin: germline.
Comment: This sequence change replaces arginine, which is basic and polar, with tryptophan, which is neutral and slightly polar, at codon 522 of the PEX6 protein (p.Arg522Trp). This variant is present in population databases (rs561419771, gnomAD 0.002%). This variant has not been reported in the literature in individuals affected with PEX6-related conditions. Algorithms developed to predict the effect of missense changes on protein structure and function are either unavailable or do not agree on the potential impact of this missense change (SIFT: "Deleterious"; PolyPhen-2: "Probably Damaging"; Align-GVGD: "Class C15"). In summary, the available evidence is currently insufficient to determine the role of this variant in disease. Therefore, it has been classified as a Variant of Uncertain Significance.

Breakthrough Genomics
Classification: Uncertain significance. Review status: criteria provided, single submitter. Criteria: ACMG Guidelines, 2015. Collection method: not provided. Allele origin: germline. Inheritance: Autosomal recessive inheritance. Affected: yes.